The following is an entry in ClinVar:

ClinVar aggregate classification (germline): Conflicting classifications of pathogenicity. Review status: criteria provided, conflicting classifications (1 of 4 stars). 19 submissions from 19 submitters: Uncertain significance (3); Benign (3); Likely benign (9). 4 of the submissions do not count toward it. Last evaluated 2026-08-01.

Conditions:
Inborn genetic diseases. Identifiers: MedGen C0950123, MeSH D030342.
Wilson disease (WND). Also called: Wilson's disease. Identifiers: Orphanet 905, MedGen C0019202, MONDO:0010200, OMIM 277900. Disease mechanism: loss of function.

Allele frequency attached by ClinVar (database versions not stated): 1000 Genomes Project 0.00080; 1000 Genomes Project 30x 0.00094; gnomAD 0.00142 and 0.00150; TOPMed 0.00144; gnomAD exomes 0.00146; ExAC 0.00174; ESP Exome Variant Server 0.00245.
gnomAD v4.1: 3,164 of 1,614,152 alleles (0.2%); highest among the groups gnomAD compares: Non-Finnish European, 0.25%; 5 homozygotes.

Submissions (19):

CeGaT Center for Human Genetics Tuebingen
Classification: Likely benign. Last evaluated: 2026-08-01. Review status: criteria provided, single submitter. Criteria: CeGaT Center For Human Genetics Tuebingen Variant Classification Criteria Version 2. Collection method: clinical testing. Allele origin: germline. Affected: yes. Observed: 20 variant alleles.
Comment: ATP7B: BP4, BP7

Labcorp Genetics (formerly Invitae), Labcorp
Classification: Benign for Wilson disease. Last evaluated: 2026-02-04. Review status: criteria provided, single submitter. Criteria: Invitae Variant Classification Sherloc (09022015). Collection method: clinical testing. Allele origin: germline.

Mayo Clinic Laboratories, Mayo Clinic
Classification: Likely benign. Last evaluated: 2025-08-01. Review status: criteria provided, single submitter. Criteria: ACMG Guidelines, 2015. Collection method: clinical testing. Allele origin: germline. Observed: 9 variant alleles.
Comment: BP4, BP7

Color Diagnostics, LLC DBA Color Health
Classification: Likely benign for Wilson disease. Last evaluated: 2025-06-05. Review status: criteria provided, single submitter. Criteria: ACMG Guidelines, 2015. Collection method: clinical testing. Allele origin: germline.

ARUP Laboratories, Molecular Genetics and Genomics, ARUP Laboratories
Classification: Benign for Wilson disease. Last evaluated: 2025-05-02. Review status: criteria provided, single submitter. Criteria: ARUP Molecular Germline Variant Investigation Process 2024. Collection method: clinical testing. Allele origin: germline.

Blueprint Genetics
Classification: Likely benign. Last evaluated: 2024-11-08. Review status: criteria provided, single submitter. Criteria: ACMG Guidelines, 2015. Collection method: clinical testing. Allele origin: germline.

All of Us Research Program, National Institutes of Health
Classification: Uncertain significance for Wilson disease. Last evaluated: 2024-02-05. Review status: criteria provided, single submitter. Criteria: ACMG Guidelines, 2015. Collection method: clinical testing. Allele origin: germline. Inheritance: Autosomal recessive inheritance. Observed: 406 variant alleles, 406 heterozygotes.
Comment: This synonymous variant causes a C>T nucleotide change in exon #4 of the ATP7B gene. A functional RNA study has shown this variant causes exon 4 skipping (PMID: 33719328). This variant has been reported in individuals affected with Wilson disease (PMID: 27022412, 27982432) and ataxia (PMID: 27528516). This variant has been identified in 403/280870 chromosomes in the general population by the Genome Aggregation Database (gnomAD). The available evidence is insufficient to determine the role of this variant in disease conclusively. Therefore, this variant is classified as a Variant of Uncertain Significance.

This study involves interpretation of variants in research participants for the purpose of population health screening. Participant phenotype was not available at the time of variant classification. Additional details can be found in publication PMID: 35346344, PMCID: PMC8962531

Ambry Genetics
Classification: Likely benign for Inborn genetic diseases. Last evaluated: 2022-06-02. Review status: criteria provided, single submitter. Criteria: Ambry Variant Classification Scheme 2023. Collection method: clinical testing. Allele origin: germline.

Genome-Nilou Lab
Classification: Likely benign for Wilson disease. Last evaluated: 2021-08-10. Review status: criteria provided, single submitter. Criteria: ACMG Guidelines, 2015. Collection method: clinical testing. Allele origin: germline. Affected: no.

Women's Health and Genetics/Laboratory Corporation of America, LabCorp
Classification: Likely benign. Last evaluated: 2020-11-13. Review status: criteria provided, single submitter. Criteria: LabCorp Variant Classification Summary - May 2015. Collection method: clinical testing. Allele origin: germline.

GeneDx
Classification: Likely benign. Last evaluated: 2018-02-20. Review status: criteria provided, single submitter. Criteria: GeneDx Variant Classification (06012015). Collection method: clinical testing. Allele origin: germline. Affected: yes.
Comment: This variant is considered likely benign or benign based on one or more of the following criteria: it is a conservative change, it occurs at a poorly conserved position in the protein, it is predicted to be benign by multiple in silico algorithms, and/or has population frequency not consistent with disease.

Genetic Services Laboratory, University of Chicago
Classification: Likely benign. Last evaluated: 2017-10-13. Review status: criteria provided, single submitter. Criteria: ACMG Guidelines, 2015. Collection method: clinical testing. Allele origin: germline. Affected: no.

Illumina Laboratory Services, Illumina
Classification: Uncertain significance for Wilson disease. Last evaluated: 2017-04-27. Review status: criteria provided, single submitter. Criteria: ICSL Variant Classification Criteria 13 December 2019. Collection method: clinical testing. Allele origin: germline.
Comment: This variant was observed as part of a predisposition screen in an ostensibly healthy population. A literature search was performed for the gene, cDNA change, and amino acid change (where applicable). Publications were found based on this search. However, the evidence from the literature, in combination with allele frequency data from public databases where available, was not sufficient to rule this variant in or out of causing disease. Therefore, this variant is classified as a variant of unknown significance.

Eurofins Ntd Llc (ga)
Classification: Uncertain significance. Last evaluated: 2016-12-20. Review status: criteria provided, single submitter. Criteria: EGL Classification Definitions 2015. Collection method: clinical testing. Allele origin: germline. Observed: 1 variant allele, 1 heterozygote.

PreventionGenetics, part of Exact Sciences
Classification: Benign. Review status: criteria provided, single submitter. Criteria: ACMG Guidelines, 2015. Collection method: clinical testing. Allele origin: germline.

Natera, Inc.
Classification: Likely benign for Wilson disease. Last evaluated: 2019-12-29. Review status: no assertion criteria provided. Collection method: clinical testing. Allele origin: germline. Not counted in ClinVar's aggregate classification.

Clinical Genetics DNA and cytogenetics Diagnostics Lab, Erasmus MC, Erasmus Medical Center
Classification: Likely benign. Review status: no assertion criteria provided. Collection method: clinical testing. Allele origin: germline. Affected: yes. Study: VKGL Data-share Consensus. Not counted in ClinVar's aggregate classification.

Genome Diagnostics Laboratory, Amsterdam University Medical Center
Classification: Likely benign. Review status: no assertion criteria provided. Collection method: clinical testing. Allele origin: germline. Affected: yes. Study: VKGL Data-share Consensus. Not counted in ClinVar's aggregate classification.

Genome Diagnostics Laboratory, University Medical Center Utrecht
Classification: Likely benign. Review status: no assertion criteria provided. Collection method: clinical testing. Allele origin: germline. Affected: yes. Study: VKGL Data-share Consensus. Not counted in ClinVar's aggregate classification.

Literature cited by the submitters: PubMed 27022412 (cited by 4 submitters); PubMed 27528516 (cited by 3 submitters); PubMed 27982432 (cited by 3 submitters); PubMed 33179228 (cited by Mayo Clinic Laboratories, Mayo Clinic); PubMed 35271763 (cited by Mayo Clinic Laboratories, Mayo Clinic); PubMed 39978457 (cited by Mayo Clinic Laboratories, Mayo Clinic); PubMed 33719328 (cited by All of Us Research Program, National Institutes of Health); PubMed 23518715 (cited by Women's Health and Genetics/Laboratory Corporation of America, LabCorp); PubMed 23525077 (cited by Women's Health and Genetics/Laboratory Corporation of America, LabCorp).

NM_000053.4(ATP7B):c.1620C>T (p.Leu540=)

Gene: ATP7B (ATPase copper transporting beta; minus strand). Cytogenetic location: 13q14.3.
Variant type: single nucleotide variant.
Coding change: c.1620C>T on transcript NM_000053.4 (MANE Select); coding-DNA position 1620, C replaced by T.
Protein change: p.Leu540=; no amino-acid change (leucine 540 retained).
Molecular consequence: synonymous variant.
Genome position (GRCh38, 1-based): chr13:51,968,531, G>A on the plus strand (C>T on the coding strand, the complement: ATP7B is on the minus strand). VCF-style: chr13-51968531-G-A. GRCh37 (hg19) VCF-style: chr13-52542667-G-A.
Other names: p.Leu540=; c.1620C>T, p.Leu540= (NM_001005918.3, NM_001330578.2, NM_001330579.2); c.1287C>T, p.Leu429= (NM_001243182.2).
Identifiers: ClinVar variation 254760 (VCV000254760.83), dbSNP rs145798966, ClinGen allele CA6989290.